The following is an entry in ClinVar:

ClinVar aggregate classification (germline): Pathogenic/Likely pathogenic. Review status: criteria provided, multiple submitters, no conflicts (2 of 4 stars). 5 submissions from 5 submitters: Pathogenic (2); Likely pathogenic (2). 1 of the submissions does not count toward it. Last evaluated 2024-10-22.

Conditions:
Arthrogryposis multiplex congenita 6. Identifiers: MedGen C5543431, MONDO:0030281, OMIM 619334.
Nemaline myopathy. Also called: Myopathies, Nemaline. Identifiers: Orphanet 607, MedGen C0206157, MONDO:0018958.
Nemaline myopathy 2 (NEM2). Also called: Nemaline myopathy 2, autosomal recessive. Identifiers: MedGen C1850569, MONDO:0009725, OMIM 256030.

Allele frequency attached by ClinVar (database versions not stated): TOPMed 0.00001; gnomAD exomes 0.00001 and below 0.00001; gnomAD 0.00001.

Submissions (5):

Labcorp Genetics (formerly Invitae), Labcorp
Classification: Pathogenic for Nemaline myopathy 2. Last evaluated: 2024-10-22. Review status: criteria provided, single submitter. Criteria: Invitae Variant Classification Sherloc (09022015). Collection method: clinical testing. Allele origin: germline.
Comment: This sequence change creates a premature translational stop signal (p.Met8154Ilefs*13) in the NEB gene. It is expected to result in an absent or disrupted protein product. Loss-of-function variants in NEB are known to be pathogenic (PMID: 25205138). This variant is present in population databases (no rsID available, gnomAD 0.002%). This premature translational stop signal has been observed in individual(s) with clinical features of nemaline myopathy (PMID: 25205138). ClinVar contains an entry for this variant (Variation ID: 551882). Algorithms developed to predict the effect of sequence changes on RNA splicing suggest that this variant may disrupt the consensus splice site. For these reasons, this variant has been classified as Pathogenic.

Fulgent Genetics
Classification: Pathogenic for Nemaline myopathy 2; Arthrogryposis multiplex congenita 6. Last evaluated: 2024-01-08. Review status: criteria provided, single submitter. Criteria: ACMG Guidelines, 2015. Collection method: clinical testing. Allele origin: germline.

Baylor Genetics
Classification: Likely pathogenic for Arthrogryposis multiplex congenita 6. Last evaluated: 2023-12-19. Review status: criteria provided, single submitter. Criteria: ACMG Guidelines, 2015. Collection method: clinical testing. Allele origin: unknown.

Women's Health and Genetics/Laboratory Corporation of America, LabCorp
Classification: Likely pathogenic for Nemaline myopathy. Last evaluated: 2022-03-15. Review status: criteria provided, single submitter. Criteria: LabCorp Variant Classification Summary - May 2015. Collection method: clinical testing. Allele origin: germline.
Comment: Variant summary: NEB c.24458_24461dupAGAT (p.Met8154IlefsX13) results in a premature termination codon, predicted to cause a truncation of the encoded protein or absence of the protein due to nonsense mediated decay, which are commonly known mechanisms for disease. Truncations downstream of this position have been classified as pathogenic by our laboratory. The variant allele was found at a frequency of 4.9e-06 in 202676 control chromosomes. The variant, c.24458_24461dupAGAT, has been reported in the literature in individuals affected with unspecified form of NM (Lehtokari_2014). To our knowledge, no experimental evidence demonstrating an impact on protein function has been reported. Two clinical diagnostic laboratories have submitted clinical-significance assessments for this variant to ClinVar after 2014 without evidence for independent evaluation. All laboratories classified the variant as pathogenic/likely pathogenic. Based on the evidence outlined above, the variant was classified as likely pathogenic.

Counsyl
Classification: Likely pathogenic for Nemaline myopathy 2. Last evaluated: 2017-05-23. Review status: no assertion criteria provided. Collection method: clinical testing. Allele origin: unknown. Not counted in ClinVar's aggregate classification.

Literature cited by the submitters: PubMed 25205138 (cited by 3 submitters).

NM_001164508.2(NEB):c.24353_24356dup (p.Met8119fs)

Genes: NEB (nebulin; minus strand), RIF1 (replication timing regulatory factor 1; plus strand). Cytogenetic location: 2q23.3.
Variant type: Duplication.
Coding change: c.24353_24356dup on transcript NM_001164508.2 (MANE Select); coding-DNA positions 24353 to 24356, 4 bases duplicated (AGAT; older notation c.24353_24356dupAGAT).
Protein change: p.Met8119fs; shifts the reading frame from methionine 8119.
Molecular consequence: frameshift variant. On other transcripts: intron variant (1).
Genome position (GRCh38, 1-based): chr2:151,496,978-151,496,981, ATCT duplicated on the plus strand (AGAT on the coding strand, the reverse complement: NEB is on the minus strand). VCF-style (leftmost placement, unchanged base first): chr2-151496977-C-CATCT. GRCh37 (hg19) VCF-style: chr2-152353491-C-CATCT.
Other names: c.24458_24461dupAGAT (NM_001271208.1); c.24458_24461dup (NM_001271208.1); c.24353_24356dup, p.Met8119fs (NM_001164507.2); c.24458_24461dup, p.Met8154fs (NM_001271208.2); c.18826-613_18826-610dup (NM_004543.5); short protein forms M8119fs, M8154fs.
Identifiers: ClinVar variation 551882 (VCV000551882.15), dbSNP rs1257495033, ClinGen allele CA536639446.